The following is an entry in ClinVar:

NM_001384732.1(CPLANE1):c.5615A>G (p.Asn1872Ser)

Gene: CPLANE1 (ciliogenesis and planar polarity effector complex subunit 1; minus strand). Cytogenetic location: 5p13.2.
Variant type: single nucleotide variant.
Coding change: c.5615A>G on transcript NM_001384732.1 (MANE Select); coding-DNA position 5615, A replaced by G.
Protein change: p.Asn1872Ser; replaces asparagine 1872 with serine.
Molecular consequence: missense variant.
Genome position (GRCh38, 1-based): chr5:37,180,139, T>C on the plus strand (A>G on the coding strand, the complement: CPLANE1 is on the minus strand). VCF-style: chr5-37180139-T-C. GRCh37 (hg19) VCF-style: chr5-37180241-T-C.
Other names: c.5615A>G, p.Asn1872Ser (NM_023073.4); short protein forms N1872S.
Identifiers: ClinVar variation 3717480 (VCV003717480.2).

ClinVar aggregate classification (germline): Uncertain significance (1 of 4 stars; one submission).

Submission:

Labcorp Genetics (formerly Invitae), Labcorp
Classification: Uncertain significance. Last evaluated: 2025-08-23. Review status: criteria provided, single submitter. Criteria: Invitae Variant Classification Sherloc (09022015). Collection method: clinical testing. Allele origin: germline.
Comment: This sequence change replaces asparagine, which is neutral and polar, with serine, which is neutral and polar, at codon 1872 of the CPLANE1 protein (p.Asn1872Ser). This variant is present in population databases (rs765842074, gnomAD 0.007%). This variant has not been reported in the literature in individuals affected with CPLANE1-related conditions. ClinVar contains an entry for this variant (Variation ID: 3717480). Invitae Evidence Modeling of protein sequence and biophysical properties (such as structural, functional, and spatial information, amino acid conservation, physicochemical variation, residue mobility, and thermodynamic stability) indicates that this missense variant is not expected to disrupt CPLANE1 protein function with a negative predictive value of 95%. In summary, the available evidence is currently insufficient to determine the role of this variant in disease. Therefore, it has been classified as a Variant of Uncertain Significance.